The following is an entry in ClinVar:

NM_001904.4(CTNNB1):c.101G>T (p.Gly34Val)

Genes: CTNNB1 (catenin beta 1; plus strand), LOC126806658 (BRD4-independent group 4 enhancer GRCh37_chr3:41265899-41267098; plus strand). Cytogenetic location: 3p22.1.
Variant type: single nucleotide variant.
Coding change: c.101G>T on transcript NM_001904.4 (MANE Select); coding-DNA position 101, G replaced by T.
Protein change: p.Gly34Val; replaces glycine 34 with valine.
Molecular consequence: missense variant.
Genome position (GRCh38, 1-based): chr3:41,224,613, G>T. VCF-style: chr3-41224613-G-T. GRCh37 (hg19) VCF-style: chr3-41266104-G-T.
Other names: CTNNB1, GLY34VAL (rs28931589); c.101G>T, p.Gly34Val (NM_001098209.2, NM_001098210.2); c.80G>T, p.Gly27Val (NM_001330729.2); short protein forms G34V, G27V.
Identifiers: ClinVar variation 17582 (VCV000017582.3), dbSNP rs28931589, ClinGen allele CA127273.

ClinVar aggregate classification (germline): Likely pathogenic. Review status: criteria provided, single submitter (1 of 4 stars). 3 submissions from 3 submitters: Likely pathogenic (1). 2 of the submissions do not count toward it. Last evaluated 2025-10-07.
ClinVar aggregate classification (somatic clinical impact): Tier I - Strong. Review status: criteria provided, single submitter (1 of 4 stars). 3 submissions from 1 submitter. 1 of the submissions does not count toward it. Last evaluated 2025-04-19.

Conditions:
Colorectal cancer. Also called: Colorectal cancer, somatic; Malignant Colorectal Neoplasm. Identifiers: MedGen C0346629, MONDO:0005575, OMIM 114500.
Hepatoblastoma. Identifiers: Orphanet 449, MedGen C0206624, MONDO:0018666, HP:0002884.
Prostate cancer. Also called: Malignant tumor of prostate. Identifiers: Orphanet 1331, MedGen C0376358, MONDO:0008315, HP:0012125.
Adamantinous craniopharyngioma. Identifiers: MedGen C0431129, MONDO:0002787.
Solid pseudopapillary neoplasm of the pancreas. Identifiers: MedGen C1336030, MONDO:0044786.
Synovial sarcoma. Identifiers: HP:0012570, Orphanet 3273, MedGen C0039101, MONDO:0010434, OMIM 300813.

Submissions (6):

University of Washington Department of Laboratory Medicine, University of Washington
Classification: Likely pathogenic for Colorectal cancer. Last evaluated: 2025-10-07. Review status: criteria provided, single submitter. Criteria: Shirts BH et al. (Am J Hum Genet 2018). Collection method: clinical testing. Allele origin: de novo. Affected: yes.
Comment: We classify the CTNNB1 c.101G>T (p.Gly34Val) variant as likely pathogenic based on internal and published evidence. Tumor sequencing demonstrated no other somatic driver variants in this polyp, suggesting that p.Gly34Val is the primary driver of tumorigenesis in this sample. The use of tumor molecular features and somatic evidence to inform germline variant classification has been described in the literature (Shirts et al., 2018. Genet Med. PMID: 29887214). As this variant arose as a de novo event in the tumor, this observation also supports application of PS2.The p.Gly34Val alteration occurs within exon 3 of CTNNB1, a well-established mutational hotspot critical for β-catenin regulation (Gao et al., 2017). Variants at this position disrupt phosphorylation sites that normally target β-catenin for degradation, leading to protein stabilization and constitutive Wnt pathway activation. Activating mutations in CTNNB1 act as oncogenic drivers and, unlike tumor suppressor genes such as APC, a single activating allele can be sufficient for tumorigenesis. This specific variant has been reported in multiple tumors. Koch et al. (1999) identified the p.Gly34Val substitution in three independent cases of sporadic hepatoblastoma in children aged 10–19 months, supporting its role as a recurrent somatic driver mutation. This variant is absent from large population databases, including gnomAD v4.0.0, meeting PM2_supporting (ACMG/AMP). Functional and positional data support an activating mechanism, consistent with PM1 (hotspot/critical domain) and PS3_supporting (well-established oncogenic effect of codon 34 substitutions). In addition, this variant meets PP2_supporting, as CTNNB1 is a gene with a low rate of benign missense variation, and pathogenic missense variants in exon 3 represent a well-established mechanism of disease through oncogenic Wnt pathway activation. This variant also meets PM5, as other missense changes at the same codon (Gly34) have been reported as pathogenic in ClinVar (e.g., chr3:41266103:G>A; chr3:41266104:G>A) and documented in the UniProt database, supporting the functional importance of this residue in β-catenin regulation. Together, the location in a mutational hotspot with a defined oncogenic mechanism, recurrence in multiple tumors, absence from population databases, and internal observation in a patient with colon polyps and colon cancer support a classification of likely pathogenic for this variant.

Institute for Genomic Medicine (IGM) Clinical Laboratory, Nationwide Children's Hospital
Classification: Tier I - Strong for Adamantinous craniopharyngioma. Assertion type: diagnostic. Clinical significance: supports diagnosis. Last evaluated: 2025-04-19. Review status: criteria provided, single submitter. Criteria: AMP/ASCO/CAP Guidelines, 2017. Collection method: clinical testing. Allele origin: somatic. Affected: yes.
Comment: Variant has Tier I (strong) clinical significance as a diagnostic inclusion criterion in adamantinous craniopharyngioma, based on the following evidence: 1) Documented in one or more cancer databases (e.g., St. Jude Pecan, COSMIC, CIViC, OncoKB). 2) Appears in one or more well-established professional guidelines (e.g., World Health Organization [WHO]; National Comprehensive Cancer Network [NCCN]) as providing diagnostic, prognostic, or therapeutic information. 3) Information in the literature supports potential biologic effect of variant (PMID: 29435196). 4) Diagnostic for a specific tumor type/classification according to professional guidelines (Evidence Level A; PMIDs: 19384065, 12466115, 15221941, 15891929, 24413733, 26927026, 28500561, 28069929, 30074466, 32125720).

Institute for Genomic Medicine (IGM) Clinical Laboratory, Nationwide Children's Hospital
Classification: Tier II - Potential for Synovial sarcoma. Assertion type: diagnostic. Clinical significance: supports diagnosis. Last evaluated: 2024-11-21. Review status: criteria provided, single submitter. Criteria: AMP/ASCO/CAP Guidelines, 2017. Collection method: clinical testing. Allele origin: somatic. Affected: yes. Not counted in ClinVar's aggregate classification.
Comment: Variant has Tier II (potential) clinical significance as a diagnostic inclusion criterion in synovial sarcoma, based on the following evidence: 1) Documented in one or more cancer databases (e.g., St. Jude Pecan, COSMIC, CIViC, OncoKB). 2) Information in the literature supports potential biologic effect of variant (PMIDs: 9671767, 10417756). 3) Diagnostic significance based on multiple small studies (Evidence Level C; PMIDs: 11054718, 20840677, 24166495, 39451213).

Institute for Genomic Medicine (IGM) Clinical Laboratory, Nationwide Children's Hospital
Classification: Tier I - Strong for Solid pseudopapillary neoplasm of the pancreas. Assertion type: diagnostic. Clinical significance: supports diagnosis. Last evaluated: 2023-07-18. Review status: criteria provided, single submitter. Criteria: AMP/ASCO/CAP Guidelines, 2017. Collection method: clinical testing. Allele origin: somatic. Affected: yes.
Comment: Variant has Tier I (strong) clinical significance as a diagnostic inclusion criterion in solid pseudopapillary neoplasm of the pancreas, based on the following evidence: 1) Documented in one or more cancer databases (e.g., St. Jude Pecan, COSMIC, CIViC, OncoKB). 2) Appears in one or more well-established professional guidelines (e.g., World Health Organization [WHO]; National Comprehensive Cancer Network [NCCN]) as providing diagnostic, prognostic, or therapeutic information. 3) Information in the literature supports potential biologic effect of variant (PMID: 29435196). 4) Diagnostic for a specific tumor type/classification according to professional guidelines (Evidence Level A; PMIDs: 11943721, 16967453, 30972907, 22158988).

OMIM
Classification: Pathogenic for HEPATOBLASTOMA, SOMATIC. Last evaluated: 1999-01-15. Review status: no assertion criteria provided. Collection method: literature only. Allele origin: somatic. Not counted in ClinVar's aggregate classification.

Science for Life laboratory,  Karolinska Institutet
Classification: Uncertain significance for Malignant tumor of prostate. Review status: no assertion criteria provided. Collection method: not provided. Allele origin: somatic. Not counted in ClinVar's aggregate classification.
Comment: TumorID:SWE-18
ClinVar note: Converted during submission from Unknown to Uncertain significance.

Literature cited by the submitters: PubMed 29435196 (cited by University of Washington Department of Laboratory Medicine, University of Washington and Institute for Genomic Medicine (IGM) Clinical Laboratory, Nationwide Children's Hospital); PubMed 9927029 (cited by University of Washington Department of Laboratory Medicine, University of Washington and OMIM); PubMed 19384065 (cited by Institute for Genomic Medicine (IGM) Clinical Laboratory, Nationwide Children's Hospital); PubMed 12466115 (cited by Institute for Genomic Medicine (IGM) Clinical Laboratory, Nationwide Children's Hospital); PubMed 15221941 (cited by Institute for Genomic Medicine (IGM) Clinical Laboratory, Nationwide Children's Hospital); PubMed 15891929 (cited by Institute for Genomic Medicine (IGM) Clinical Laboratory, Nationwide Children's Hospital); PubMed 24413733 (cited by Institute for Genomic Medicine (IGM) Clinical Laboratory, Nationwide Children's Hospital); PubMed 26927026 (cited by Institute for Genomic Medicine (IGM) Clinical Laboratory, Nationwide Children's Hospital); PubMed 28500561 (cited by Institute for Genomic Medicine (IGM) Clinical Laboratory, Nationwide Children's Hospital); PubMed 28069929 (cited by Institute for Genomic Medicine (IGM) Clinical Laboratory, Nationwide Children's Hospital); PubMed 30074466 (cited by Institute for Genomic Medicine (IGM) Clinical Laboratory, Nationwide Children's Hospital); PubMed 32125720 (cited by Institute for Genomic Medicine (IGM) Clinical Laboratory, Nationwide Children's Hospital); PubMed 9671767 (cited by Institute for Genomic Medicine (IGM) Clinical Laboratory, Nationwide Children's Hospital); PubMed 10417756 (cited by Institute for Genomic Medicine (IGM) Clinical Laboratory, Nationwide Children's Hospital); PubMed 11054718 (cited by Institute for Genomic Medicine (IGM) Clinical Laboratory, Nationwide Children's Hospital); PubMed 20840677 (cited by Institute for Genomic Medicine (IGM) Clinical Laboratory, Nationwide Children's Hospital); PubMed 24166495 (cited by Institute for Genomic Medicine (IGM) Clinical Laboratory, Nationwide Children's Hospital); PubMed 39451213 (cited by Institute for Genomic Medicine (IGM) Clinical Laboratory, Nationwide Children's Hospital); PubMed 11943721 (cited by Institute for Genomic Medicine (IGM) Clinical Laboratory, Nationwide Children's Hospital); PubMed 16967453 (cited by Institute for Genomic Medicine (IGM) Clinical Laboratory, Nationwide Children's Hospital); PubMed 30972907 (cited by Institute for Genomic Medicine (IGM) Clinical Laboratory, Nationwide Children's Hospital); PubMed 22158988 (cited by Institute for Genomic Medicine (IGM) Clinical Laboratory, Nationwide Children's Hospital).